The following is an entry in ClinVar:

Single allele

Genes: AK3 (adenylate kinase 3; minus strand), BNC2 (basonuclin zinc finger protein 2; minus strand), BRD10 (bromodomain containing 10; minus strand), CCDC171 (coiled-coil domain containing 171; plus strand), CD274 (CD274 molecule; plus strand) and 46 more. Cytogenetic location: 9p24.3-22.3.
Variant type: Deletion.
Identifiers: ClinVar variation 2671611 (VCV002671611.1).

ClinVar aggregate classification (germline): Pathogenic (1 of 4 stars; one submission).

Submission:

Illumina Laboratory Services, Illumina
Classification: Pathogenic. Last evaluated: 2023-06-01. Review status: criteria provided, single submitter. Criteria: ICSL CNVClassificationCriteria Aug2020. Collection method: clinical testing. Allele origin: unknown.
Comment: This CNV is a 16.3 Mb deletion of 9p24.3-p22.3 on chromosome 9, seq[GRCh37]del(9)(p24.3p22.3), NC_000009.11:g.204064_16456192del. The CNV encompasses 49 protein coding genes including the NFIB gene and overlaps the proposed critical regions of the well described 9p deletion syndrome (PMID: 35047865). The NFIB gene encodes nuclear factor 1 B, a transcription factor that regulates mammalian development. Haploinsufficiency of NFIB is associated with acquired macrocephaly with impaired intellectual development (MIM 600728). The CNV has not been reported in published controls and is not present in the Database of Genomic Variants (PMID: 24174537). Based on the available evidence, this CNV is classified as pathogenic.